The following is an entry in ClinVar:

ClinVar aggregate classification (germline): Uncertain significance. Review status: criteria provided, multiple submitters, no conflicts (2 of 4 stars). 2 submissions from 2 submitters: Uncertain significance (2). Last evaluated 2024-06-13.

Allele frequency attached by ClinVar (database versions not stated): ExAC 0.00001.

Submissions (2):

Labcorp Genetics (formerly Invitae), Labcorp
Classification: Uncertain significance. Last evaluated: 2024-06-13. Review status: criteria provided, single submitter. Criteria: Invitae Variant Classification Sherloc (09022015). Collection method: clinical testing. Allele origin: germline.
Comment: This sequence change replaces glycine, which is neutral and non-polar, with valine, which is neutral and non-polar, at codon 139 of the IFT57 protein (p.Gly139Val). This variant is present in population databases (rs778518817, gnomAD 0.005%). This missense change has been observed in individual(s) with clinical features of myelomeningocele (PMID: 33574475). ClinVar contains an entry for this variant (Variation ID: 2218275). An algorithm developed to predict the effect of missense changes on protein structure and function (PolyPhen-2) suggests that this variant is likely to be disruptive. In summary, the available evidence is currently insufficient to determine the role of this variant in disease. Therefore, it has been classified as a Variant of Uncertain Significance.

Ambry Genetics
Classification: Uncertain significance. Last evaluated: 2021-08-16. Review status: criteria provided, single submitter. Criteria: Ambry Variant Classification Scheme 2023. Collection method: clinical testing. Allele origin: germline.

Literature cited by the submitters: PubMed 33574475 (cited by Labcorp Genetics (formerly Invitae), Labcorp).

NM_018010.4(IFT57):c.416G>T (p.Gly139Val)

Gene: IFT57 (intraflagellar transport 57; minus strand). Cytogenetic location: 3q13.13.
Variant type: single nucleotide variant.
Coding change: c.416G>T on transcript NM_018010.4 (MANE Select); coding-DNA position 416, G replaced by T.
Protein change: p.Gly139Val; replaces glycine 139 with valine.
Molecular consequence: missense variant.
Genome position (GRCh38, 1-based): chr3:108,218,613, C>A on the plus strand (G>T on the coding strand, the complement: IFT57 is on the minus strand). VCF-style: chr3-108218613-C-A. GRCh37 (hg19) VCF-style: chr3-107937460-C-A.
Other names: short protein forms G139V.
Identifiers: ClinVar variation 2218275 (VCV002218275.4), dbSNP rs778518817, ClinGen allele CA2526722.
Genomic context (GRCh38, chr3:108,218,613, plus strand): 5'-ATATATTTCAATGCTTCTTCAGCGAAGCAATCAAGAACATAGCATACATGTTCTCCATAA[C>A]CTGACTTTAATTTTGAAGGAGGAAAATCTGCAGTTCTTCCCTGAAAAACAAAAGAAAAAA-3'
Protein context (NP_060480.1, residues 129-149): ADFPPSKLKS[Gly139Val]YGEHVCYVLD